The following is an entry in ClinVar:

ClinVar aggregate classification (germline): Uncertain significance (1 of 4 stars; one submission).

gnomAD v4.1: 13 of 1,613,866 alleles (0.00081%); highest among the groups gnomAD compares: African/African-American, 0.013%; no homozygotes.

Submission:

Labcorp Genetics (formerly Invitae), Labcorp
Classification: Uncertain significance. Last evaluated: 2024-03-21. Review status: criteria provided, single submitter. Criteria: Invitae Variant Classification Sherloc (09022015). Collection method: clinical testing. Allele origin: germline.
Comment: This sequence change replaces histidine, which is basic and polar, with aspartic acid, which is acidic and polar, at codon 202 of the CARD8 protein (p.His202Asp). This variant is present in population databases (rs764067338, gnomAD 0.02%). This variant has not been reported in the literature in individuals affected with CARD8-related conditions. ClinVar contains an entry for this variant (Variation ID: 1517937). An algorithm developed to predict the effect of missense changes on protein structure and function (PolyPhen-2) suggests that this variant is likely to be disruptive. In summary, the available evidence is currently insufficient to determine the role of this variant in disease. Therefore, it has been classified as a Variant of Uncertain Significance.

NM_001184900.3(CARD8):c.754C>G (p.His252Asp)

Gene: CARD8 (caspase recruitment domain family member 8; minus strand). Cytogenetic location: 19q13.33.
Variant type: single nucleotide variant.
Coding change: c.754C>G on transcript NM_001184900.3 (MANE Select); coding-DNA position 754, C replaced by G.
Protein change: p.His252Asp; replaces histidine 252 with aspartic acid.
Molecular consequence: missense variant. On other transcripts: non-coding transcript variant (4).
Genome position (GRCh38, 1-based): chr19:48,230,795, G>C on the plus strand (C>G on the coding strand, the complement: CARD8 is on the minus strand). VCF-style: chr19-48230795-G-C. GRCh37 (hg19) VCF-style: chr19-48734052-G-C.
Other names: c.604C>G, p.His202Asp (NM_001184901.1, NM_001351783.2, NM_001351788.2 and 2 more transcripts); c.754C>G, p.His252Asp (NM_001184902.2, NM_001184903.1, NM_001351782.2); c.439C>G, p.His147Asp (NM_001351784.2, NM_001351787.2, NM_001351791.2 and 2 more transcripts); c.418C>G, p.His140Asp (NM_001351786.2); c.511C>G, p.His171Asp (NM_001351790.2); short protein forms H140D, H147D, H171D, H252D, H202D.
Identifiers: ClinVar variation 1517937 (VCV001517937.8), dbSNP rs764067338, ClinGen allele CA9547934.
Genomic context (GRCh38, chr19:48,230,795, plus strand): 5'-GCACCCCAGCGGCCCCCACAGCCTCCGCTCACCCCACATTACCTTGGAGGGAGATGAAGT[G>C]GGGGAGGTGGATTTCGGCGACAGCCTCCTCTGGCTCTGCAGTGACATCAAACAAGGGGCC-3'
Protein context (NP_001171829.1, residues 242-262): EEAVAEIHLP[His252Asp]FISLQAGEVD